The following is an entry in ClinVar:

NM_001164508.2(NEB):c.18683T>A (p.Met6228Lys)

Gene: NEB (nebulin; minus strand). Cytogenetic location: 2q23.3.
Variant type: single nucleotide variant.
Coding change: c.18683T>A on transcript NM_001164508.2 (MANE Select); coding-DNA position 18683, T replaced by A.
Protein change: p.Met6228Lys; replaces methionine 6228 with lysine.
Molecular consequence: missense variant.
Genome position (GRCh38, 1-based): chr2:151,563,616, A>T on the plus strand (T>A on the coding strand, the complement: NEB is on the minus strand). VCF-style: chr2-151563616-A-T. GRCh37 (hg19) VCF-style: chr2-152420130-A-T.
Other names: c.18683T>A, p.Met6228Lys (NM_001164507.2, NM_001271208.2); c.13580T>A, p.Met4527Lys (NM_004543.5); short protein forms M4527K, M6228K.
Identifiers: ClinVar variation 2153140 (VCV002153140.4), dbSNP rs2552191151, ClinGen allele CA348798657.

ClinVar aggregate classification (germline): Uncertain significance (1 of 4 stars; one submission).

Conditions:
Nemaline myopathy 2 (NEM2). Also called: Nemaline myopathy 2, autosomal recessive. Identifiers: MedGen C1850569, MONDO:0009725, OMIM 256030.

Submission:

Labcorp Genetics (formerly Invitae), Labcorp
Classification: Uncertain significance for Nemaline myopathy 2. Last evaluated: 2022-03-24. Review status: criteria provided, single submitter. Criteria: Invitae Variant Classification Sherloc (09022015). Collection method: clinical testing. Allele origin: germline.
Comment: In summary, the available evidence is currently insufficient to determine the role of this variant in disease. Therefore, it has been classified as a Variant of Uncertain Significance. Algorithms developed to predict the effect of missense changes on protein structure and function are either unavailable or do not agree on the potential impact of this missense change (SIFT: "Deleterious"; PolyPhen-2: "Not Available"; Align-GVGD: "Class C0"). This variant is not present in population databases (gnomAD no frequency). This variant has not been reported in the literature in individuals affected with NEB-related conditions. This sequence change replaces methionine, which is neutral and non-polar, with lysine, which is basic and polar, at codon 6228 of the NEB protein (p.Met6228Lys).